The following is an entry in ClinVar:

NM_004247.4(EFTUD2):c.272-8del

Gene: EFTUD2 (elongation factor Tu GTP binding domain containing 2; minus strand). Cytogenetic location: 17q21.31.
Variant type: Deletion.
Coding change: c.272-8del on transcript NM_004247.4 (MANE Select); 8 bases into the intron before coding-DNA position 272, one base deleted (T; older notation c.272-8delT).
Molecular consequence: intron variant.
Genome position (GRCh38, 1-based): chr17:44,885,342, A deleted on the plus strand (T on the coding strand, the reverse complement: EFTUD2 is on the minus strand); the first of 10 consecutive A bases (chr17:44,885,342-44,885,351); deleting any one gives the same sequence. VCF-style (leftmost placement, unchanged base first): chr17-44885341-GA-G. GRCh37 (hg19) VCF-style: chr17-42962709-GA-G.
Other names: c.272-8delT (NM_004247.3); c.167-8del (NM_001142605.2); c.272-8del (NM_001258354.2, NM_001258353.2).
Identifiers: ClinVar variation 1274131 (VCV001274131.12), dbSNP rs557631650, ClinGen allele CA8608149.

ClinVar aggregate classification (germline): Benign/Likely benign. Review status: criteria provided, multiple submitters, no conflicts (2 of 4 stars). 4 submissions from 4 submitters: Benign (2); Likely benign (1). 1 of the submissions does not count toward it. Last evaluated 2025-11-05.

Conditions:
EFTUD2-related disorder. Also called: EFTUD2-related condition.

Submissions (4):

Labcorp Genetics (formerly Invitae), Labcorp
Classification: Benign. Last evaluated: 2025-11-05. Review status: criteria provided, single submitter. Criteria: Invitae Variant Classification Sherloc (09022015). Collection method: clinical testing. Allele origin: germline.

Blueprint Genetics
Classification: Likely benign. Last evaluated: 2023-05-25. Review status: criteria provided, single submitter. Criteria: ACMG Guidelines, 2015. Collection method: clinical testing. Allele origin: germline.

GeneDx
Classification: Benign. Last evaluated: 2021-04-19. Review status: criteria provided, single submitter. Criteria: GeneDx Variant Classification Process June 2021. Collection method: clinical testing. Allele origin: germline. Affected: yes.

PreventionGenetics, part of Exact Sciences
Classification: Likely benign for EFTUD2-related condition. Last evaluated: 2022-05-27. Review status: no assertion criteria provided. Collection method: clinical testing. Allele origin: germline. Not counted in ClinVar's aggregate classification.
Comment: This variant is classified as likely benign based on ACMG/AMP sequence variant interpretation guidelines (Richards et al. 2015 PMID: 25741868, with internal and published modifications).